The following is an entry in ClinVar:

NM_001353108.3(CEP63):c.2038C>T (p.Arg680Cys)

Gene: CEP63 (centrosomal protein 63; plus strand). Cytogenetic location: 3q22.2.
Variant type: single nucleotide variant.
Coding change: c.2038C>T on transcript NM_001353108.3 (MANE Select); coding-DNA position 2038, C replaced by T.
Protein change: p.Arg680Cys; replaces arginine 680 with cysteine.
Molecular consequence: missense variant. On other transcripts: non-coding transcript variant (4), intron variant (5).
Genome position (GRCh38, 1-based): chr3:134,561,461, C>T. VCF-style: chr3-134561461-C-T. GRCh37 (hg19) VCF-style: chr3-134280303-C-T.
Other names: c.1414C>T, p.Arg472Cys (NM_001042383.2, NM_001353119.2, NM_001353120.2 and 2 more transcripts); c.1552C>T, p.Arg518Cys (NM_001042400.3, NM_001353110.1, NM_001353111.2 and 1 more transcripts); c.1900C>T, p.Arg634Cys (NM_001353109.1); c.1441C>T, p.Arg481Cys (NM_001353118.1); c.1330C>T, p.Arg444Cys (NM_001353125.2); c.1051C>T, p.Arg351Cys (NM_001353126.2); c.2038C>T, p.Arg680Cys (NM_025180.5); c.1467+9449C>T (NM_001353113.1, NM_001353117.2); and 1 more; short protein forms R351C, R444C, R472C, R481C, R518C, R634C, R680C.
Identifiers: ClinVar variation 1336264 (VCV001336264.7), dbSNP rs141217824, ClinGen allele CA2628858.

ClinVar aggregate classification (germline): Uncertain significance. Review status: criteria provided, multiple submitters, no conflicts (2 of 4 stars). 3 submissions from 3 submitters: Uncertain significance (3). Last evaluated 2024-01-25.

Allele frequency attached by ClinVar (database versions not stated): gnomAD exomes 0.00004 and 0.00010; ExAC 0.00012; gnomAD 0.00021 and 0.00024; ESP Exome Variant Server 0.00023; TOPMed 0.00023.
gnomAD v4.1: 99 of 1,613,520 alleles (0.0061%); highest among the groups gnomAD compares: African/African-American, 0.056%; no homozygotes.

Submissions (3):

Women's Health and Genetics/Laboratory Corporation of America, LabCorp
Classification: Uncertain significance. Last evaluated: 2024-01-25. Review status: criteria provided, single submitter. Criteria: LabCorp Variant Classification Summary - May 2015. Collection method: clinical testing. Allele origin: germline.
Comment: Variant summary: CEP63 c.2038C>T (p.Arg680Cys) results in a non-conservative amino acid change in the encoded protein sequence. Three of five in-silico tools predict a benign effect of the variant on protein function. The variant allele was found at a frequency of 0.0001 in 251310 control chromosomes. To our knowledge, no occurrence of c.2038C>T in individuals affected with Seckel Syndrome 6 and no experimental evidence demonstrating its impact on protein function have been reported. ClinVar contains an entry for this variant (Variation ID: 1336264). Based on the evidence outlined above, the variant was classified as uncertain significance.

Labcorp Genetics (formerly Invitae), Labcorp
Classification: Uncertain significance. Last evaluated: 2022-09-01. Review status: criteria provided, single submitter. Criteria: Invitae Variant Classification Sherloc (09022015). Collection method: clinical testing. Allele origin: germline.
Comment: This sequence change replaces arginine, which is basic and polar, with cysteine, which is neutral and slightly polar, at codon 680 of the CEP63 protein (p.Arg680Cys). This variant is present in population databases (rs141217824, gnomAD 0.05%). This variant has not been reported in the literature in individuals affected with CEP63-related conditions. ClinVar contains an entry for this variant (Variation ID: 1336264). Algorithms developed to predict the effect of missense changes on protein structure and function are either unavailable or do not agree on the potential impact of this missense change (SIFT: "Tolerated"; PolyPhen-2: "Probably Damaging"; Align-GVGD: "Class C0"). In summary, the available evidence is currently insufficient to determine the role of this variant in disease. Therefore, it has been classified as a Variant of Uncertain Significance.

Genetic Services Laboratory, University of Chicago
Classification: Uncertain significance. Last evaluated: 2017-09-22. Review status: criteria provided, single submitter. Criteria: ACMG Guidelines, 2015. Collection method: clinical testing. Allele origin: germline. Affected: no.